The following is an entry in ClinVar:

ClinVar aggregate classification (germline): Uncertain significance. Review status: criteria provided, multiple submitters, no conflicts (2 of 4 stars). 2 submissions from 2 submitters: Uncertain significance (2). Last evaluated 2025-05-04.

Conditions:
Inborn genetic diseases. Identifiers: MedGen C0950123, MeSH D030342.

Submissions (2):

Ambry Genetics
Classification: Uncertain significance for Inborn genetic diseases. Last evaluated: 2025-05-04. Review status: criteria provided, single submitter. Criteria: Ambry Variant Classification Scheme 2023. Collection method: clinical testing. Allele origin: germline.

GeneDx
Classification: Uncertain significance. Last evaluated: 2024-01-16. Review status: criteria provided, single submitter. Criteria: GeneDx Variant Classification Process June 2021. Collection method: clinical testing. Allele origin: germline. Affected: yes.
Comment: Not observed at significant frequency in large population cohorts (gnomAD); In silico analysis supports that this missense variant does not alter protein structure/function; Has not been previously published as pathogenic or benign to our knowledge

NM_006372.5(SYNCRIP):c.346A>G (p.Ser116Gly)

Gene: SYNCRIP (synaptotagmin binding cytoplasmic RNA interacting protein; minus strand). Cytogenetic location: 6q14.3.
Variant type: single nucleotide variant.
Coding change: c.346A>G on transcript NM_006372.5 (MANE Select); coding-DNA position 346, A replaced by G.
Protein change: p.Ser116Gly; replaces serine 116 with glycine.
Molecular consequence: missense variant. On other transcripts: 5 prime UTR variant (1).
Genome position (GRCh38, 1-based): chr6:85,640,250, T>C on the plus strand (A>G on the coding strand, the complement: SYNCRIP is on the minus strand). VCF-style: chr6-85640250-T-C. GRCh37 (hg19) VCF-style: chr6-86349968-T-C.
Other names: c.52A>G, p.Ser18Gly (NM_001159673.2, NM_001410938.1); c.346A>G, p.Ser116Gly (NM_001159674.2, NM_001159675.2, NM_001159676.2 and 1 more transcripts); c.-85A>G (NM_001253771.2); short protein forms S116G, S18G.
Identifiers: ClinVar variation 3367885 (VCV003367885.2).